The following is an entry in ClinVar:

ClinVar aggregate classification (germline): Uncertain significance (1 of 4 stars; one submission).

Conditions:
Familial cancer of breast. Also called: BREAST CANCER, FAMILIAL; Hereditary breast cancer; hereditary breast carcinoma. Identifiers: Orphanet 227535, MedGen C0346153, MONDO:0016419, OMIM 114480. Disease mechanism: loss of function.

Allele frequency attached by ClinVar (database versions not stated): TOPMed below 0.00001; gnomAD 0.00001; ESP Exome Variant Server 0.00008.
gnomAD v4.1: 1 of 1,613,786 alleles (0.000062%); no homozygotes.

Submission:

Labcorp Genetics (formerly Invitae), Labcorp
Classification: Uncertain significance for Familial cancer of breast. Last evaluated: 2017-11-12. Review status: criteria provided, single submitter. Criteria: Invitae Variant Classification Sherloc (09022015). Collection method: clinical testing. Allele origin: germline.
Comment: This sequence change replaces proline with histidine at codon 182 of the CHEK2 protein (p.Pro182His). The proline residue is highly conserved and there is a moderate physicochemical difference between proline and histidine. This variant is not present in population databases (ExAC no frequency). This variant has not been reported in the literature in individuals with CHEK2-related disease. Algorithms developed to predict the effect of missense changes on protein structure and function (SIFT, PolyPhen-2, Align-GVGD) all suggest that this variant is likely to be disruptive, but these predictions have not been confirmed by published functional studies and their clinical significance is uncertain. In summary, the available evidence is currently insufficient to determine the role of this variant in disease. Therefore, it has been classified as a Variant of Uncertain Significance.

NM_007194.4(CHEK2):c.545C>A (p.Pro182His)

Gene: CHEK2 (checkpoint kinase 2; minus strand). Cytogenetic location: 22q12.1.
Variant type: single nucleotide variant.
Coding change: c.545C>A on transcript NM_007194.4 (MANE Select); coding-DNA position 545, C replaced by A.
Protein change: p.Pro182His; replaces proline 182 with histidine.
Molecular consequence: missense variant. On other transcripts: 5 prime UTR variant (2), intron variant (1).
Genome position (GRCh38, 1-based): chr22:28,725,024, G>T on the plus strand (C>A on the coding strand, the complement: CHEK2 is on the minus strand). VCF-style: chr22-28725024-G-T. GRCh37 (hg19) VCF-style: chr22-29121012-G-T.
Other names: c.674C>A, p.Pro225His (NM_001005735.3, NM_001438294.1); c.-233C>A (NM_001257387.3); c.-119C>A (NM_001437942.1); c.638C>A, p.Pro213His (NM_001438293.1, NM_001438295.1); c.545C>A, p.Pro182His (NM_145862.3); c.445-101C>A (NM_001349956.3); short protein forms P182H, P225H, P213H.
Identifiers: ClinVar variation 530105 (VCV000530105.9), dbSNP rs372168051, ClinGen allele CA323032982.